The following is an entry in ClinVar:

NM_014264.5(PLK4):c.2701C>T (p.Gln901Ter)

Gene: PLK4 (polo like kinase 4; plus strand). Cytogenetic location: 4q28.1.
Variant type: single nucleotide variant.
Coding change: c.2701C>T on transcript NM_014264.5 (MANE Select); coding-DNA position 2701, C replaced by T.
Protein change: p.Gln901Ter; replaces glutamine 901 with a stop codon.
Molecular consequence: nonsense.
Genome position (GRCh38, 1-based): chr4:127,895,091, C>T. VCF-style: chr4-127895091-C-T. GRCh37 (hg19) VCF-style: chr4-128816246-C-T.
Other names: c.2605C>T, p.Gln869Ter (NM_001190799.2); c.2578C>T, p.Gln860Ter (NM_001190801.2); short protein forms Q901*, Q860*, Q869*.
Identifiers: ClinVar variation 2098334 (VCV002098334.4), dbSNP rs2546024862, ClinGen allele CA358164509.

ClinVar aggregate classification (germline): Pathogenic (1 of 4 stars; one submission).

Submission:

Labcorp Genetics (formerly Invitae), Labcorp
Classification: Pathogenic. Last evaluated: 2022-02-18. Review status: criteria provided, single submitter. Criteria: Invitae Variant Classification Sherloc (09022015). Collection method: clinical testing. Allele origin: germline.
Comment: This sequence change creates a premature translational stop signal (p.Gln901*) in the PLK4 gene. It is expected to result in an absent or disrupted protein product. Loss-of-function variants in PLK4 are known to be pathogenic (PMID: 25320347, 30842647). This variant is not present in population databases (gnomAD no frequency). This variant has not been reported in the literature in individuals affected with PLK4-related conditions. For these reasons, this variant has been classified as Pathogenic.

Literature cited by the submitters: PubMed 25320347; PubMed 30842647.